The following is an entry in ClinVar:

NM_004958.4(MTOR):c.2990del (p.Phe997fs)

Gene: MTOR (mechanistic target of rapamycin kinase; minus strand). Cytogenetic location: 1p36.22.
Variant type: Deletion.
Coding change: c.2990del on transcript NM_004958.4 (MANE Select); coding-DNA position 2990, one base deleted (T; older notation c.2990delT).
Protein change: p.Phe997fs; shifts the reading frame from phenylalanine 997.
Molecular consequence: frameshift variant.
Genome position (GRCh38, 1-based): chr1:11,228,708, A deleted on the plus strand (T on the coding strand, the reverse complement: MTOR is on the minus strand); the first of 2 consecutive A bases (chr1:11,228,708-11,228,709); deleting either gives the same sequence. VCF-style (leftmost placement, unchanged base first): chr1-11228707-GA-G. GRCh37 (hg19) VCF-style: chr1-11288764-GA-G.
Other names: c.2990del, p.Phe997fs (NM_001386500.1); c.1742del, p.Phe581fs (NM_001386501.1); c.2989delT, p.Phe997Serfs (NM_004958.3); short protein forms F581fs, F997fs.
Identifiers: ClinVar variation 4278543 (VCV004278543.1).

ClinVar aggregate classification (germline): Uncertain significance (1 of 4 stars; one submission).

Submission:

GeneDx
Classification: Uncertain significance. Last evaluated: 2025-04-03. Review status: criteria provided, single submitter. Criteria: GeneDx Variant Classification Process June 2021. Collection method: clinical testing. Allele origin: germline. Affected: yes.
Comment: Not observed at significant frequency in large population cohorts (gnomAD); Has not been previously published as pathogenic or benign to our knowledge; Frameshift variant predicted to result in protein truncation or nonsense mediated decay in a gene for which loss-of-function is not a known mechanism of disease